The following is an entry in ClinVar:

NM_020738.4(KIDINS220):c.1788-6T>C

Gene: KIDINS220 (kinase D interacting substrate 220; minus strand). Cytogenetic location: 2p25.1.
Variant type: single nucleotide variant.
Coding change: c.1788-6T>C on transcript NM_020738.4 (MANE Select); 6 bases into the intron before coding-DNA position 1788, T replaced by C.
Molecular consequence: intron variant.
Genome position (GRCh38, 1-based): chr2:8,786,363, A>G on the plus strand (T>C on the coding strand, the complement: KIDINS220 is on the minus strand). VCF-style: chr2-8786363-A-G. GRCh37 (hg19) VCF-style: chr2-8926493-A-G.
Other names: c.1788-6T>C (NM_001348741.2, NM_001348738.2, NM_001348742.2 and 3 more transcripts); c.1791-6T>C (NM_001348739.2, NM_001348740.2, NM_001348734.2 and 3 more transcripts); c.1662-6T>C (NM_001348736.2).
Identifiers: ClinVar variation 3344037 (VCV003344037.2).

ClinVar aggregate classification (germline): Likely benign (1 of 4 stars; one submission).

Conditions:
KIDINS220-related disorder. Also called: KIDINS220-related condition.

gnomAD v4.1: 11 of 1,607,280 alleles (0.00068%); highest among the groups gnomAD compares: South Asian, 0.01%; no homozygotes.

Submission:

PreventionGenetics, part of Exact Sciences
Classification: Likely benign for KIDINS220-related condition. Last evaluated: 2026-02-02. Review status: criteria provided, single submitter. Criteria: ACMG Guidelines, 2015. Collection method: clinical testing. Allele origin: germline.
Comment: This variant is classified as likely benign based on ACMG/AMP sequence variant interpretation guidelines (Richards et al. 2015 PMID: 25741868, with internal and published modifications).